The following is an entry in ClinVar:

NM_001379500.1(COL18A1):c.1702-5C>A

Gene: COL18A1 (collagen type XVIII alpha 1 chain; plus strand). Cytogenetic location: 21q22.3.
Variant type: single nucleotide variant.
Coding change: c.1702-5C>A on transcript NM_001379500.1 (MANE Select); 5 bases into the intron before coding-DNA position 1702, C replaced by A.
Molecular consequence: intron variant.
Genome position (GRCh38, 1-based): chr21:45,486,856, C>A. VCF-style: chr21-45486856-C-A. GRCh37 (hg19) VCF-style: chr21-46906770-C-A.
Other names: c.2947-5C>A (NM_130444.3); c.2242-5C>A (NM_030582.4).
Identifiers: ClinVar variation 2814208 (VCV002814208.3), dbSNP rs1192526031, ClinGen allele CA2654913550.

ClinVar aggregate classification (germline): Uncertain significance (1 of 4 stars; one submission).

gnomAD v4.1: 1 of 1,527,812 alleles (0.000065%); highest among the groups gnomAD compares: African/African-American, 0.0014%; no homozygotes.

Submission:

Labcorp Genetics (formerly Invitae), Labcorp
Classification: Uncertain significance. Last evaluated: 2025-08-06. Review status: criteria provided, single submitter. Criteria: Invitae Variant Classification Sherloc (09022015). Collection method: clinical testing. Allele origin: germline.
Comment: This sequence change falls in intron 15 of the COL18A1 gene. It does not directly change the encoded amino acid sequence of the COL18A1 protein. This variant is not present in population databases (gnomAD no frequency). This variant has not been reported in the literature in individuals affected with COL18A1-related conditions. ClinVar contains an entry for this variant (Variation ID: 2814208). Algorithms developed to predict the effect of sequence changes on RNA splicing suggest that this variant may create or strengthen a splice site. In summary, the available evidence is currently insufficient to determine the role of this variant in disease. Therefore, it has been classified as a Variant of Uncertain Significance.